The following is an entry in ClinVar:

NM_001145809.2(MYH14):c.2781G>A (p.Gln927=)

Gene: MYH14 (myosin heavy chain 14; plus strand). Cytogenetic location: 19q13.33.
Variant type: single nucleotide variant.
Coding change: c.2781G>A on transcript NM_001145809.2 (MANE Select); coding-DNA position 2781, G replaced by A.
Protein change: p.Gln927=; no amino-acid change (glutamine 927 retained).
Molecular consequence: synonymous variant.
Genome position (GRCh38, 1-based): chr19:50,266,963, G>A. VCF-style: chr19-50266963-G-A. GRCh37 (hg19) VCF-style: chr19-50770220-G-A.
Other names: c.2682G>A, p.Gln894= (NM_001077186.2); c.2658G>A, p.Gln886= (NM_024729.4).
Identifiers: ClinVar variation 3777466 (VCV003777466.1).

ClinVar aggregate classification (germline): Uncertain significance (1 of 4 stars; one submission).

gnomAD v4.1: 3 of 1,566,632 alleles (0.00019%); highest among the groups gnomAD compares: Non-Finnish European, 0.00026%; no homozygotes.

Submission:

GeneDx
Classification: Uncertain significance. Last evaluated: 2024-10-08. Review status: criteria provided, single submitter. Criteria: GeneDx Variant Classification Process June 2021. Collection method: clinical testing. Allele origin: germline. Affected: yes.
Comment: Not observed at significant frequency in large population cohorts (gnomAD); In silico analysis indicates that this variant does not alter splicing; Has not been previously published as pathogenic or benign to our knowledge